The following is an entry in ClinVar:

ClinVar aggregate classification (germline): Likely pathogenic (1 of 4 stars; one submission).

Conditions:
Phelan-McDermid syndrome. Also called: TELOMERIC 22q13 MONOSOMY SYNDROME; Phelan-McDermid Syndrome-SHANK3 Related; 22q13.3 deletion syndrome. Identifiers: Orphanet 48652, MedGen C1853490, MONDO:0011652, OMIM 606232.
Schizophrenia 15 (SCZD15). Also called: SCHIZOPHRENIA SUSCEPTIBILITY LOCUS, CHROMOSOME 22q13-RELATED. Identifiers: MedGen C3151380, MONDO:0013498, OMIM 613950.

Submission:

Juno Genomics, Hangzhou Juno Genomics, Inc
Classification: Likely pathogenic for Phelan-McDermid syndrome; Schizophrenia 15. Review status: criteria provided, single submitter. Criteria: ACMG Guidelines, 2015. Collection method: clinical testing. Allele origin: germline. Affected: yes.
Comment: Null variant in a gene where loss of function (LOF) is a known mechanism of disease.;Absent from controls (or at extremely low frequency if recessive) in Genome Aggregation Database, Exome Sequencing Project, 1000 Genomes Project, or Exome Aggregation Consortium.

NM_001372044.2(SHANK3):c.1529+3_1529+4insGAGG

Gene: SHANK3 (SH3 and multiple ankyrin repeat domains 3; plus strand). Cytogenetic location: 22q13.33.
Variant type: Insertion.
Coding change: c.1529+3_1529+4insGAGG on transcript NM_001372044.2 (MANE Select); bases 3 to 4 of the intron after coding-DNA position 1529, GAGG inserted.
Molecular consequence: splice donor variant.
Genome position: GRCh38 VCF-style: chr22-50695046-C-CAGGG. GRCh37 (hg19) VCF-style: chr22-51133474-C-CAGGG.
Identifiers: ClinVar variation 3382104 (VCV003382104.2).
Genomic context (GRCh38, chr22:50,695,046, plus strand): 5'-TGCCGACCAGGAGAGCAACATCAGTGGCCCTTTAGCAGGCAGGGCCGGCCAAAGCAAGAT[C>CAGGG]AGGTAGGAGGGGGCTGGCAGGCCCTGGAGGGGTTGGGAGGGTGGGGTGCCGGGACCTGAG-3'